The following is an entry in ClinVar:

ClinVar aggregate classification (germline): Uncertain significance (1 of 4 stars; one submission).

gnomAD v4.1: 2 of 1,614,130 alleles (0.00012%); no homozygotes.

Submission:

Ambry Genetics
Classification: Uncertain significance. Last evaluated: 2022-04-04. Review status: criteria provided, single submitter. Criteria: Ambry Variant Classification Scheme 2023. Collection method: clinical testing. Allele origin: germline.
Comment: The p.E690D variant (also known as c.2070A>T), located in coding exon 13 of the POLQ gene, results from an A to T substitution at nucleotide position 2070. The glutamic acid at codon 690 is replaced by aspartic acid, an amino acid with highly similar properties. This amino acid position is conserved. In addition, this alteration is predicted to be tolerated by in silico analysis. Since supporting evidence is limited at this time, the clinical significance of this alteration remains unclear.

NM_199420.4(POLQ):c.2070A>T (p.Glu690Asp)

Gene: POLQ (DNA polymerase theta; minus strand). Cytogenetic location: 3q13.33.
Variant type: single nucleotide variant.
Coding change: c.2070A>T on transcript NM_199420.4 (MANE Select); coding-DNA position 2070, A replaced by T.
Protein change: p.Glu690Asp; replaces glutamic acid 690 with aspartic acid.
Molecular consequence: missense variant.
Genome position (GRCh38, 1-based): chr3:121,498,560, T>A on the plus strand (A>T on the coding strand, the complement: POLQ is on the minus strand). VCF-style: chr3-121498560-T-A. GRCh37 (hg19) VCF-style: chr3-121217407-T-A.
Other names: short protein forms E690D.
Identifiers: ClinVar variation 1785382 (VCV001785382.2), dbSNP rs2546794743, ClinGen allele CA354110243.